The following is an entry in ClinVar:

ClinVar aggregate classification (germline): Uncertain significance. Review status: criteria provided, single submitter (1 of 4 stars). 2 submissions from 2 submitters: Uncertain significance (1). 1 of the submissions does not count toward it. Last evaluated 2026-06-29.

Conditions:
Intellectual developmental disorder, X-linked, syndromic, Pilorge type. Identifiers: MedGen C5676881, MONDO:0024772, OMIM 301076.

Allele frequency attached by ClinVar (database versions not stated): gnomAD exomes below 0.00001; gnomAD 0.00001; TOPMed 0.00002; ESP Exome Variant Server 0.00009.
gnomAD v4.1: 3 of 1,208,562 alleles (0.00025%); highest among the groups gnomAD compares: African/African-American, 0.0035%; no homozygotes.

Submissions (2):

Laboratory of Medical Genetics, University of Torino
Classification: Uncertain significance for Intellectual developmental disorder, X-linked, syndromic, Pilorge type. Last evaluated: 2026-06-29. Review status: criteria provided, single submitter. Criteria: ACMG Guidelines, 2015. Collection method: clinical testing. Allele origin: maternal. Affected: yes.

Wangler Lab, Baylor College of Medicine
Classification: Likely pathogenic. Last evaluated: 2022-01-10. Review status: no assertion criteria provided. Collection method: research. Allele origin: maternal. Affected: yes. Observed: 1 hemizygote. Not counted in ClinVar's aggregate classification.
Comment: Marcogliese et al., (2022) have identified 13 unrelated subjects with a variable neurodevelopmental disorder with or without autistic features. This variant (c.1199C>T) results in p.Pro400Leu. This change is not seen in GnomAD (PM2) and in silico models predict pathogenicity (PP3). We classify this variant to be likely pathogenic based on our cohort of affected individuals with similar phenotypes.

NM_002063.4(GLRA2):c.1199C>T (p.Pro400Leu)

Genes: FANCB (FA complementation group B; minus strand), GLRA2 (glycine receptor alpha 2; plus strand). Cytogenetic location: Xp22.2.
Variant type: single nucleotide variant.
Coding change: c.1199C>T on transcript NM_002063.4 (MANE Select); coding-DNA position 1199, C replaced by T.
Protein change: p.Pro400Leu; replaces proline 400 with leucine.
Molecular consequence: missense variant.
Genome position (GRCh38, 1-based): chrX:14,730,325, C>T. VCF-style: chrX-14730325-C-T. GRCh37 (hg19) VCF-style: chrX-14748447-C-T.
Other names: c.1199C>T, p.Pro400Leu (NM_001118885.2, NM_001118886.2); c.932C>T, p.Pro311Leu (NM_001171942.2); short protein forms P311L, P400L.
Identifiers: ClinVar variation 1334414 (VCV001334414.3), dbSNP rs370575329, ClinGen allele CA327003853.